The following is an entry in ClinVar:

NM_003849.4(SUCLG1):c.91T>C (p.Phe31Leu)

Gene: SUCLG1 (succinate-CoA ligase GDP/ADP-forming subunit alpha; minus strand). Cytogenetic location: 2p11.2.
Variant type: single nucleotide variant.
Coding change: c.91T>C on transcript NM_003849.4 (MANE Select); coding-DNA position 91, T replaced by C.
Protein change: p.Phe31Leu; replaces phenylalanine 31 with leucine.
Molecular consequence: missense variant.
Genome position (GRCh38, 1-based): chr2:84,459,179, A>G on the plus strand (T>C on the coding strand, the complement: SUCLG1 is on the minus strand). VCF-style: chr2-84459179-A-G. GRCh37 (hg19) VCF-style: chr2-84686303-A-G.
Other names: short protein forms F31L.
Identifiers: ClinVar variation 1393151 (VCV001393151.6), dbSNP rs1423984666, ClinGen allele CA347518456.

ClinVar aggregate classification (germline): Uncertain significance (1 of 4 stars; one submission).

Conditions:
Mitochondrial DNA depletion syndrome 9 (MTDPS9). Also called: SUCLG1-Related Mitochondrial DNA Depletion Syndrome, Encephalomyopathic Form with Methylmalonic Aciduria. Identifiers: Orphanet 17, MedGen C3151476, MONDO:0009504, OMIM 245400.

Allele frequency attached by ClinVar (database versions not stated): gnomAD exomes below 0.00001 and 0.00001.
gnomAD v4.1: 1 of 1,549,632 alleles (0.000065%); highest among the groups gnomAD compares: Non-Finnish European, 0.000087%; no homozygotes.

Submission:

Labcorp Genetics (formerly Invitae), Labcorp
Classification: Uncertain significance for Mitochondrial DNA depletion syndrome 9. Last evaluated: 2021-10-11. Review status: criteria provided, single submitter. Criteria: Invitae Variant Classification Sherloc (09022015). Collection method: clinical testing. Allele origin: germline.
Comment: In summary, the available evidence is currently insufficient to determine the role of this variant in disease. Therefore, it has been classified as a Variant of Uncertain Significance. Algorithms developed to predict the effect of missense changes on protein structure and function output the following: SIFT: "Tolerated"; PolyPhen-2: "Not Available"; Align-GVGD: "Class C0". The leucine amino acid residue is found in multiple mammalian species, which suggests that this missense change does not adversely affect protein function. This variant has not been reported in the literature in individuals affected with SUCLG1-related conditions. This variant is not present in population databases (ExAC no frequency). This sequence change replaces phenylalanine with leucine at codon 31 of the SUCLG1 protein (p.Phe31Leu). The phenylalanine residue is moderately conserved and there is a small physicochemical difference between phenylalanine and leucine.